The following is an entry in ClinVar:

NM_006642.5(SDCCAG8):c.1966C>T (p.His656Tyr)

Gene: SDCCAG8 (SHH signaling and ciliogenesis regulator SDCCAG8; plus strand). Cytogenetic location: 1q43.
Variant type: single nucleotide variant.
Coding change: c.1966C>T on transcript NM_006642.5 (MANE Select); coding-DNA position 1966, C replaced by T.
Protein change: p.His656Tyr; replaces histidine 656 with tyrosine.
Molecular consequence: missense variant.
Genome position (GRCh38, 1-based): chr1:243,426,539, C>T. VCF-style: chr1-243426539-C-T. GRCh37 (hg19) VCF-style: chr1-243589841-C-T.
Other names: c.1063C>T, p.His355Tyr (NM_001350246.2, NM_001350247.2, NM_001350251.2); c.2062C>T, p.His688Tyr (NM_001350248.2); c.1672C>T, p.His558Tyr (NM_001350249.2); short protein forms H355Y, H656Y, H688Y, H558Y.
Identifiers: ClinVar variation 4982573 (VCV004982573.1).
Genomic context (GRCh38, chr1:243,426,539, plus strand): 5'-GGAAAGTTACAGAGAAGAAATGAAGAATTGGAGGAACAGTGTGTCCAGCATGGGAGAGTA[C>T]ATGAGACGATGAAGCAAAGGTAATCAAGGTTTCATGTCAACTCATGTGCCGCATATTGAA-3'
Protein context (NP_006633.1, residues 646-666): EEQCVQHGRV[His656Tyr]ETMKQRLRQL

ClinVar aggregate classification (germline): Uncertain significance (1 of 4 stars; one submission).

Conditions:
SDCCAG8-related disorder. Also called: SDCCAG8-Related Disorders; SDCCAG8-related condition.

gnomAD v4.1: 1 of 1,613,784 alleles (0.000062%); highest among the groups gnomAD compares: African/African-American, 0.0013%; no homozygotes.

Submission:

PreventionGenetics, part of Exact Sciences
Classification: Uncertain significance for SDCCAG8-related condition. Last evaluated: 2025-09-23. Review status: criteria provided, single submitter. Criteria: ACMG Guidelines, 2015. Collection method: clinical testing. Allele origin: germline.
Comment: The SDCCAG8 c.1966C>T variant is predicted to result in the amino acid substitution p.His656Tyr. To our knowledge, this variant has not been reported in the literature. This variant is reported in 0.011% of alleles in individuals of African descent in gnomAD. At this time, the clinical significance of this variant is uncertain due to the absence of conclusive functional and genetic evidence.